The following is an entry in ClinVar:

NM_002528.7(NTHL1):c.616C>T (p.Leu206=)

Gene: NTHL1 (nth like DNA glycosylase 1; minus strand). Cytogenetic location: 16p13.3.
Variant type: single nucleotide variant.
Coding change: c.616C>T on transcript NM_002528.7 (MANE Select); coding-DNA position 616, C replaced by T.
Protein change: p.Leu206=; no amino-acid change (leucine 206 retained).
Molecular consequence: synonymous variant.
Genome position (GRCh38, 1-based): chr16:2,043,636, G>A on the plus strand (C>T on the coding strand, the complement: NTHL1 is on the minus strand). VCF-style: chr16-2043636-G-A. GRCh37 (hg19) VCF-style: chr16-2093637-G-A.
Other names: c.445C>T, p.Leu149= (NM_001318193.2); c.286C>T, p.Leu96= (NM_001318194.2).
Identifiers: ClinVar variation 1692698 (VCV001692698.8), dbSNP rs2084298971, ClinGen allele CA492951968.

ClinVar aggregate classification (germline): Conflicting classifications of pathogenicity. Review status: criteria provided, conflicting classifications (1 of 4 stars). 2 submissions from 2 submitters: Uncertain significance (1); Likely benign (1). Last evaluated 2025-03-01.

Conditions:
Hereditary cancer-predisposing syndrome. Also called: Hereditary Cancer Syndrome; Hereditary neoplastic syndrome; Neoplastic Syndromes, Hereditary; Tumor predisposition. Identifiers: Orphanet 140162, MedGen C0027672, MeSH D009386, MONDO:0015356.

Submissions (2):

Labcorp Genetics (formerly Invitae), Labcorp
Classification: Likely benign. Last evaluated: 2025-03-01. Review status: criteria provided, single submitter. Criteria: Invitae Variant Classification Sherloc (09022015). Collection method: clinical testing. Allele origin: germline.

Sema4
Classification: Uncertain significance for Hereditary cancer-predisposing syndrome. Last evaluated: 2022-03-01. Review status: criteria provided, single submitter. Criteria: Sema4 Curation Guidelines. Collection method: curation. Allele origin: germline.
Comment: The NTHL1 c.640C>T (p.L214=) variant has not been reported in the literature to our knowledge. This variant is not reported in the population database Genome Aggregation Database (PMID: 32461654). The variant has not been reported in ClinVar. Algorithms developed to predict the effect of sequence changes on RNA splicing suggest that this variant is not likely to affect RNA splicing, though these predictions have not been confirmed by transcriptional studies. The evidence is insufficient to meet ACMG/AMP criteria for classifying the variant as benign or pathogenic. Thus, the clinical significance of this variant is currently uncertain.